The following is an entry in ClinVar:

ClinVar aggregate classification (germline): Uncertain significance. Review status: criteria provided, multiple submitters, no conflicts (2 of 4 stars). 3 submissions from 3 submitters: Uncertain significance (3). Last evaluated 2025-02-05.

Conditions:
Hereditary cancer-predisposing syndrome. Also called: Hereditary neoplastic syndrome; Neoplastic Syndromes, Hereditary; Tumor predisposition; Hereditary Cancer Syndrome. Identifiers: Orphanet 140162, MedGen C0027672, MeSH D009386, MONDO:0015356.
Hereditary diffuse gastric adenocarcinoma (HDGC). Also called: DIFFUSE GASTRIC AND LOBULAR BREAST CANCER SYNDROME. Identifiers: Orphanet 26106, MedGen C1708349, MONDO:0007648, OMIM 137215.
Familial cancer of breast. Also called: BREAST CANCER, FAMILIAL; Hereditary breast cancer; hereditary breast carcinoma. Identifiers: Orphanet 227535, MedGen C0346153, MONDO:0016419, OMIM 114480. Disease mechanism: loss of function.

Submissions (3):

Labcorp Genetics (formerly Invitae), Labcorp
Classification: Uncertain significance for Hereditary diffuse gastric adenocarcinoma. Last evaluated: 2025-02-05. Review status: criteria provided, single submitter. Criteria: Invitae Variant Classification Sherloc (09022015). Collection method: clinical testing. Allele origin: germline.
Comment: This sequence change replaces asparagine, which is neutral and polar, with serine, which is neutral and polar, at codon 371 of the CDH1 protein (p.Asn371Ser). This variant is not present in population databases (gnomAD no frequency). This missense change has been observed in individual(s) with colon cancer (PMID: 30730459). ClinVar contains an entry for this variant (Variation ID: 483234). An algorithm developed to predict the effect of missense changes on protein structure and function (PolyPhen-2) suggests that this variant is likely to be disruptive. In summary, the available evidence is currently insufficient to determine the role of this variant in disease. Therefore, it has been classified as a Variant of Uncertain Significance.

Ambry Genetics
Classification: Uncertain significance for Hereditary cancer-predisposing syndrome. Last evaluated: 2024-04-17. Review status: criteria provided, single submitter. Criteria: Ambry Variant Classification Scheme 2023. Collection method: clinical testing. Allele origin: germline.
Comment: The p.N371S variant (also known as c.1112A>G), located in coding exon 8 of the CDH1 gene, results from an A to G substitution at nucleotide position 1112. The asparagine at codon 371 is replaced by serine, an amino acid with highly similar properties. This amino acid position is highly conserved in available vertebrate species. In addition, this alteration is predicted to be tolerated by in silico analysis. Based on the available evidence, the clinical significance of this variant remains unclear.

Baylor Genetics
Classification: Uncertain significance for Familial cancer of breast. Last evaluated: 2024-02-11. Review status: criteria provided, single submitter. Criteria: ACMG Guidelines, 2015. Collection method: clinical testing. Allele origin: unknown.

Literature cited by the submitters: PubMed 30730459 (cited by Labcorp Genetics (formerly Invitae), Labcorp).

NM_004360.5(CDH1):c.1112A>G (p.Asn371Ser)

Gene: CDH1 (cadherin 1; plus strand). Cytogenetic location: 16q22.1.
Variant type: single nucleotide variant.
Coding change: c.1112A>G on transcript NM_004360.5 (MANE Select); coding-DNA position 1112, A replaced by G.
Protein change: p.Asn371Ser; replaces asparagine 371 with serine.
Molecular consequence: missense variant. On other transcripts: 5 prime UTR variant (2).
Genome position (GRCh38, 1-based): chr16:68,812,238, A>G. VCF-style: chr16-68812238-A-G. GRCh37 (hg19) VCF-style: chr16-68846141-A-G.
Other names: c.1112A>G (LRG_301t1); c.1112A>G, p.Asn371Ser (NM_001317184.2); c.-504A>G (NM_001317185.2); c.-708A>G (NM_001317186.2); short protein forms N371S.
Identifiers: ClinVar variation 483234 (VCV000483234.11), dbSNP rs1555515754, ClinGen allele CA396460193.